The following is an entry in ClinVar:

NM_001164508.2(NEB):c.24706C>G (p.Pro8236Ala)

Genes: NEB (nebulin; minus strand), RIF1 (replication timing regulatory factor 1; plus strand). Cytogenetic location: 2q23.3.
Variant type: single nucleotide variant.
Coding change: c.24706C>G on transcript NM_001164508.2 (MANE Select); coding-DNA position 24706, C replaced by G.
Protein change: p.Pro8236Ala; replaces proline 8236 with alanine.
Molecular consequence: missense variant.
Genome position (GRCh38, 1-based): chr2:151,493,412, G>C on the plus strand (C>G on the coding strand, the complement: NEB is on the minus strand). VCF-style: chr2-151493412-G-C. GRCh37 (hg19) VCF-style: chr2-152349926-G-C.
Other names: c.24706C>G, p.Pro8236Ala (NM_001164507.2); c.24811C>G, p.Pro8271Ala (NM_001271208.2); c.19138C>G, p.Pro6380Ala (NM_004543.5); short protein forms P6380A, P8236A, P8271A.
Identifiers: ClinVar variation 3403990 (VCV003403990.3).

ClinVar aggregate classification (germline): Uncertain significance. Review status: criteria provided, multiple submitters, no conflicts (2 of 4 stars). 2 submissions from 2 submitters: Uncertain significance (2). Last evaluated 2024-12-10.

Conditions:
Nemaline myopathy 2 (NEM2). Also called: Nemaline myopathy 2, autosomal recessive. Identifiers: MedGen C1850569, MONDO:0009725, OMIM 256030.
Inborn genetic diseases. Identifiers: MedGen C0950123, MeSH D030342.

gnomAD v4.1: 1 of 1,608,088 alleles (0.000062%); highest among the groups gnomAD compares: Non-Finnish European, 0.000085%; no homozygotes.

Submissions (2):

Ambry Genetics
Classification: Uncertain significance for Inborn genetic diseases. Last evaluated: 2024-12-10. Review status: criteria provided, single submitter. Criteria: Ambry Variant Classification Scheme 2023. Collection method: clinical testing. Allele origin: germline.

Labcorp Genetics (formerly Invitae), Labcorp
Classification: Uncertain significance for Nemaline myopathy 2. Last evaluated: 2024-05-15. Review status: criteria provided, single submitter. Criteria: Invitae Variant Classification Sherloc (09022015). Collection method: clinical testing. Allele origin: germline.
Comment: This sequence change replaces proline, which is neutral and non-polar, with alanine, which is neutral and non-polar, at codon 8271 of the NEB protein (p.Pro8271Ala). This variant is not present in population databases (gnomAD no frequency). This variant has not been reported in the literature in individuals affected with NEB-related conditions. Experimental studies and prediction algorithms are not available or were not evaluated, and the functional significance of this variant is currently unknown. In summary, the available evidence is currently insufficient to determine the role of this variant in disease. Therefore, it has been classified as a Variant of Uncertain Significance.